The following is an entry in ClinVar:

ClinVar aggregate classification (germline): Uncertain significance (1 of 4 stars; one submission).

Conditions:
Primary ciliary dyskinesia. Also called: Ciliary dyskinesia. Identifiers: Orphanet 244, MedGen C0008780, MONDO:0016575, HP:0012265.

Allele frequency attached by ClinVar (database versions not stated): gnomAD 0.00009; TOPMed 0.00011.
gnomAD v4.1: 16 of 1,564,794 alleles (0.001%); highest among the groups gnomAD compares: Admixed American, 0.03%; no homozygotes.

Submission:

Labcorp Genetics (formerly Invitae), Labcorp
Classification: Uncertain significance for Primary ciliary dyskinesia. Last evaluated: 2022-08-19. Review status: criteria provided, single submitter. Criteria: Invitae Variant Classification Sherloc (09022015). Collection method: clinical testing. Allele origin: germline.
Comment: In summary, the available evidence is currently insufficient to determine the role of this variant in disease. Therefore, it has been classified as a Variant of Uncertain Significance. Algorithms developed to predict the effect of missense changes on protein structure and function output the following: SIFT: "Tolerated"; PolyPhen-2: "Benign"; Align-GVGD: "Class C0". The aspartic acid amino acid residue is found in multiple mammalian species, which suggests that this missense change does not adversely affect protein function. This variant has not been reported in the literature in individuals affected with CCDC40-related conditions. This variant is present in population databases (no rsID available, gnomAD 0.008%). This sequence change replaces glutamic acid, which is acidic and polar, with aspartic acid, which is acidic and polar, at codon 382 of the CCDC40 protein (p.Glu382Asp).

NM_017950.4(CCDC40):c.1146G>C (p.Glu382Asp)

Gene: CCDC40 (coiled-coil domain 40 molecular ruler complex subunit; plus strand). Cytogenetic location: 17q25.3.
Variant type: single nucleotide variant.
Coding change: c.1146G>C on transcript NM_017950.4 (MANE Select); coding-DNA position 1146, G replaced by C.
Protein change: p.Glu382Asp; replaces glutamic acid 382 with aspartic acid.
Molecular consequence: missense variant.
Genome position (GRCh38, 1-based): chr17:80,050,270, G>C. VCF-style: chr17-80050270-G-C. GRCh37 (hg19) VCF-style: chr17-78024069-G-C.
Other names: c.1146G>C, p.Glu382Asp (NM_001243342.2, NM_001330508.2); short protein forms E382D.
Identifiers: ClinVar variation 2190164 (VCV002190164.4), dbSNP rs1263317319, ClinGen allele CA401355952.